The following is an entry in ClinVar:

ClinVar aggregate classification (germline): Uncertain significance (1 of 4 stars; one submission).

Conditions:
Carney complex, type 1 (CNC1). Also called: CARNEY COMPLEX, TYPE I; CARNEY MYXOMA-ENDOCRINE COMPLEX. Identifiers: Orphanet 1359, MedGen C2607929, MONDO:0008057, OMIM 160980.

Submission:

Labcorp Genetics (formerly Invitae), Labcorp
Classification: Uncertain significance for Carney complex, type 1. Last evaluated: 2024-05-11. Review status: criteria provided, single submitter. Criteria: Invitae Variant Classification Sherloc (09022015). Collection method: clinical testing. Allele origin: germline.
Comment: This sequence change replaces lysine, which is basic and polar, with asparagine, which is neutral and polar, at codon 346 of the PRKAR1A protein (p.Lys346Asn). This variant is not present in population databases (gnomAD no frequency). This variant has not been reported in the literature in individuals affected with PRKAR1A-related conditions. Advanced modeling of protein sequence and biophysical properties (such as structural, functional, and spatial information, amino acid conservation, physicochemical variation, residue mobility, and thermodynamic stability) performed at Invitae indicates that this missense variant is expected to disrupt PRKAR1A protein function with a positive predictive value of 80%. In summary, the available evidence is currently insufficient to determine the role of this variant in disease. Therefore, it has been classified as a Variant of Uncertain Significance.

NM_002734.5(PRKAR1A):c.1038G>C (p.Lys346Asn)

Gene: PRKAR1A (protein kinase cAMP-dependent type I regulatory subunit alpha; plus strand). Cytogenetic location: 17q24.2.
Variant type: single nucleotide variant.
Coding change: c.1038G>C on transcript NM_002734.5 (MANE Select); coding-DNA position 1038, G replaced by C.
Protein change: p.Lys346Asn; replaces lysine 346 with asparagine.
Molecular consequence: missense variant. On other transcripts: intron variant (1).
Genome position (GRCh38, 1-based): chr17:68,530,341, G>C. VCF-style: chr17-68530341-G-C. GRCh37 (hg19) VCF-style: chr17-66526482-G-C.
Other names: c.1038G>C, p.Lys346Asn (NM_001276289.2, NM_001278433.2, NM_001369389.1 and 3 more transcripts); c.973+340G>C (NM_001276290.1); short protein forms K346N.
Identifiers: ClinVar variation 3653026 (VCV003653026.2).